The following is an entry in ClinVar:

ClinVar aggregate classification (germline): Likely benign (0 of 4 stars; one submission).

Conditions:
TRIM36-related disorder. Also called: TRIM36-related condition.

Allele frequency attached by ClinVar (database versions not stated): gnomAD exomes 0.00014; ExAC 0.00055; ESP Exome Variant Server 0.00154; gnomAD 0.00163; 1000 Genomes Project 30x 0.00172; TOPMed 0.00175; 1000 Genomes Project 0.00180.

Submission:

PreventionGenetics, part of Exact Sciences
Classification: Likely benign for TRIM36-related condition. Last evaluated: 2020-05-11. Review status: no assertion criteria provided. Collection method: clinical testing. Allele origin: germline.
Comment: This variant is classified as likely benign based on ACMG/AMP sequence variant interpretation guidelines (Richards et al. 2015 PMID: 25741868, with internal and published modifications).

NM_001300759.2(TRIM36):c.745T>A (p.Ser249Thr)

Gene: TRIM36 (tripartite motif containing 36; minus strand). Cytogenetic location: 5q22.3.
Variant type: single nucleotide variant.
Coding change: c.745T>A on transcript NM_001300759.2 (MANE Select); coding-DNA position 745, T replaced by A.
Protein change: p.Ser249Thr; replaces serine 249 with threonine.
Molecular consequence: missense variant.
Genome position (GRCh38, 1-based): chr5:115,141,365, A>T on the plus strand (T>A on the coding strand, the complement: TRIM36 is on the minus strand). VCF-style: chr5-115141365-A-T. GRCh37 (hg19) VCF-style: chr5-114477062-A-T.
Other names: c.316T>A, p.Ser106Thr (NM_001300752.2); c.781T>A, p.Ser261Thr (NM_018700.4); short protein forms S106T, S249T, S261T.
Identifiers: ClinVar variation 3034195 (VCV003034195.2), dbSNP rs61734288, ClinGen allele CA3373560.